The following is an entry in ClinVar:

NM_139278.4(LGI3):c.665-2A>G

Gene: LGI3 (leucine rich repeat LGI family member 3; minus strand). Cytogenetic location: 8p21.3.
Variant type: single nucleotide variant.
Coding change: c.665-2A>G on transcript NM_139278.4 (MANE Select); the canonical splice acceptor site of the intron before coding-DNA position 665, A replaced by G.
Molecular consequence: splice acceptor variant.
Genome position (GRCh38, 1-based): chr8:22,151,655, T>C on the plus strand (A>G on the coding strand, the complement: LGI3 is on the minus strand). VCF-style: chr8-22151655-T-C. GRCh37 (hg19) VCF-style: chr8-22009168-T-C.
Identifiers: ClinVar variation 2626981 (VCV002626981.1), dbSNP rs1827380102, ClinGen allele CA370531486.

ClinVar aggregate classification (germline): Uncertain significance (1 of 4 stars; one submission).

Submission:

Greenwood Genetic Center Diagnostic Laboratories, Greenwood Genetic Center
Classification: Uncertain significance. Last evaluated: 2023-07-12. Review status: criteria provided, single submitter. Criteria: ACMG Guidelines, 2015. Collection method: clinical testing. Allele origin: germline. Affected: yes.
Comment: PM2